The following is an entry in ClinVar:

NM_000088.4(COL1A1):c.76G>A (p.Gly26Ser)

Gene: COL1A1 (collagen type I alpha 1 chain; minus strand). Cytogenetic location: 17q21.33.
Variant type: single nucleotide variant.
Coding change: c.76G>A on transcript NM_000088.4 (MANE Select); coding-DNA position 76, G replaced by A.
Protein change: p.Gly26Ser; replaces glycine 26 with serine.
Molecular consequence: missense variant.
Genome position (GRCh38, 1-based): chr17:50,201,438, C>T on the plus strand (G>A on the coding strand, the complement: COL1A1 is on the minus strand). VCF-style: chr17-50201438-C-T. GRCh37 (hg19) VCF-style: chr17-48278799-C-T.
Other names: c.76G>A (NM_000088.3); short protein forms G26S.
Identifiers: ClinVar variation 1407725 (VCV001407725.9), dbSNP rs2144600278, ClinGen allele CA400230216.

ClinVar aggregate classification (germline): Uncertain significance. Review status: criteria provided, multiple submitters, no conflicts (2 of 4 stars). 2 submissions from 2 submitters: Uncertain significance (2). Last evaluated 2024-10-01.

Conditions:
Cardiovascular phenotype. Identifiers: MedGen CN230736.
Osteogenesis imperfecta type I (OI1). Also called: Lobstein disease; Classic Non-deforming Osteogenesis Imperfecta with Blue Sclerae; OI, TYPE I; OSTEOGENESIS IMPERFECTA TARDA; OSTEOGENESIS IMPERFECTA WITH BLUE SCLERAE; Osteogenesis imperfecta type 1. Identifiers: Orphanet 216796, Orphanet 666, MedGen C0023931, MONDO:0008146, OMIM 166200. Disease mechanism: loss of function.

Allele frequency attached by ClinVar (database versions not stated): gnomAD exomes below 0.00001.
gnomAD v4.1: 1 of 1,613,838 alleles (0.000062%); highest among the groups gnomAD compares: Middle Eastern, 0.017%; no homozygotes.

Submissions (2):

Ambry Genetics
Classification: Uncertain significance for Cardiovascular phenotype. Last evaluated: 2024-10-01. Review status: criteria provided, single submitter. Criteria: Ambry Variant Classification Scheme 2023. Collection method: clinical testing. Allele origin: germline.
Comment: The c.76G>A (p.G26S) alteration is located in exon 1 (coding exon 1) of the COL1A1 gene. This alteration results from a G to A substitution at nucleotide position 76, causing the glycine (G) at amino acid position 26 to be replaced by a serine (S). This variant was not reported in population-based cohorts in the Genome Aggregation Database (gnomAD). This variant was reported in an individual in a cohort of patients with suspected EDS (Wilson, 2024). This amino acid position is well conserved in available vertebrate species. This alteration is predicted to be tolerated by in silico analysis. Based on insufficient or conflicting evidence, the clinical significance of this alteration remains unclear.

Labcorp Genetics (formerly Invitae), Labcorp
Classification: Uncertain significance for Osteogenesis imperfecta type I. Last evaluated: 2021-06-02. Review status: criteria provided, single submitter. Criteria: Invitae Variant Classification Sherloc (09022015). Collection method: clinical testing. Allele origin: germline.
Comment: This variant is not present in population databases (ExAC no frequency). This sequence change replaces glycine with serine at codon 26 of the COL1A1 protein (p.Gly26Ser). The glycine residue is weakly conserved and there is a small physicochemical difference between glycine and serine. This variant has not been reported in the literature in individuals with COL1A1-related conditions. In summary, the available evidence is currently insufficient to determine the role of this variant in disease. Therefore, it has been classified as a Variant of Uncertain Significance. Advanced modeling of protein sequence and biophysical properties (such as structural, functional, and spatial information, amino acid conservation, physicochemical variation, residue mobility, and thermodynamic stability) performed at Invitae indicates that this missense variant is not expected to disrupt COL1A1 protein function.

Literature cited by the submitters: PubMed 38534782 (cited by Ambry Genetics).